The following is an entry in ClinVar:

ClinVar aggregate classification (germline): Uncertain significance. Review status: criteria provided, multiple submitters, no conflicts (2 of 4 stars). 2 submissions from 2 submitters: Uncertain significance (2). Last evaluated 2024-06-17.

Conditions:
LAMB2-related infantile-onset nephrotic syndrome. Also called: NEPHROTIC SYNDROME, TYPE 5, WITHOUT OCULAR ABNORMALITIES; NEPHROTIC SYNDROME, TYPE 5, WITH OCULAR ABNORMALITIES; Nephrotic Syndrome, type 5. Identifiers: Orphanet 306507, MedGen C3280113, MONDO:0013621, OMIM 614199.
Pierson syndrome. Also called: MICROCORIA-CONGENITAL NEPHROTIC SYNDROME. Identifiers: Orphanet 2670, MedGen C1836876, MONDO:0012184, OMIM 609049.

Allele frequency attached by ClinVar (database versions not stated): ExAC 0.00003; gnomAD 0.00003; gnomAD exomes 0.00003 and 0.00010; TOPMed 0.00004; ESP Exome Variant Server 0.00008.
gnomAD v4.1: 152 of 1,613,886 alleles (0.0094%); highest among the groups gnomAD compares: Non-Finnish European, 0.013%; no homozygotes.

Submissions (2):

Fulgent Genetics
Classification: Uncertain significance for Pierson syndrome; LAMB2-related infantile-onset nephrotic syndrome. Last evaluated: 2024-06-17. Review status: criteria provided, single submitter. Criteria: ACMG Guidelines, 2015. Collection method: clinical testing. Allele origin: germline.

Labcorp Genetics (formerly Invitae), Labcorp
Classification: Uncertain significance for LAMB2-related infantile-onset nephrotic syndrome; Pierson syndrome. Last evaluated: 2022-08-21. Review status: criteria provided, single submitter. Criteria: Invitae Variant Classification Sherloc (09022015). Collection method: clinical testing. Allele origin: germline.
Comment: In summary, the available evidence is currently insufficient to determine the role of this variant in disease. Therefore, it has been classified as a Variant of Uncertain Significance. Algorithms developed to predict the effect of missense changes on protein structure and function output the following: SIFT: "Tolerated"; PolyPhen-2: "Benign"; Align-GVGD: "Class C0". The proline amino acid residue is found in multiple mammalian species, which suggests that this missense change does not adversely affect protein function. ClinVar contains an entry for this variant (Variation ID: 539733). This variant has not been reported in the literature in individuals affected with LAMB2-related conditions. This variant is present in population databases (rs373955878, gnomAD 0.007%). This sequence change replaces leucine, which is neutral and non-polar, with proline, which is neutral and non-polar, at codon 3 of the LAMB2 protein (p.Leu3Pro).

NM_002292.4(LAMB2):c.8T>C (p.Leu3Pro)

Gene: LAMB2 (laminin subunit beta 2; minus strand). Cytogenetic location: 3p21.31.
Variant type: single nucleotide variant.
Coding change: c.8T>C on transcript NM_002292.4 (MANE Select); coding-DNA position 8, T replaced by C.
Protein change: p.Leu3Pro; replaces leucine 3 with proline.
Molecular consequence: missense variant.
Genome position (GRCh38, 1-based): chr3:49,132,860, A>G on the plus strand (T>C on the coding strand, the complement: LAMB2 is on the minus strand). VCF-style: chr3-49132860-A-G. GRCh37 (hg19) VCF-style: chr3-49170293-A-G.
Other names: short protein forms L3P.
Identifiers: ClinVar variation 539733 (VCV000539733.7), dbSNP rs373955878, ClinGen allele CA2395077.